The following is an entry in ClinVar:

ClinVar aggregate classification (germline): Uncertain significance (1 of 4 stars; one submission).

gnomAD v4.1: 1 of 1,612,344 alleles (0.000062%); highest among the groups gnomAD compares: Admixed American, 0.0017%; no homozygotes.

Submission:

Labcorp Genetics (formerly Invitae), Labcorp
Classification: Uncertain significance. Last evaluated: 2026-01-20. Review status: criteria provided, single submitter. Criteria: Invitae Variant Classification Sherloc (09022015). Collection method: clinical testing. Allele origin: germline.
Comment: This sequence change replaces threonine, which is neutral and polar, with isoleucine, which is neutral and non-polar, at codon 242 of the LAMB1 protein (p.Thr242Ile). This variant is not present in population databases (gnomAD no frequency). This variant has not been reported in the literature in individuals affected with LAMB1-related conditions. An algorithm developed to predict the effect of missense changes on protein structure and function (PolyPhen-2) suggests that this variant is likely to be disruptive. In summary, the available evidence is currently insufficient to determine the role of this variant in disease. Therefore, it has been classified as a Variant of Uncertain Significance.

NM_002291.3(LAMB1):c.725C>T (p.Thr242Ile)

Gene: LAMB1 (laminin subunit beta 1; minus strand). Cytogenetic location: 7q31.1.
Variant type: single nucleotide variant.
Coding change: c.725C>T on transcript NM_002291.3 (MANE Select); coding-DNA position 725, C replaced by T.
Protein change: p.Thr242Ile; replaces threonine 242 with isoleucine.
Molecular consequence: missense variant.
Genome position (GRCh38, 1-based): chr7:107,980,763, G>A on the plus strand (C>T on the coding strand, the complement: LAMB1 is on the minus strand). VCF-style: chr7-107980763-G-A. GRCh37 (hg19) VCF-style: chr7-107621208-G-A.
Other names: short protein forms T242I.
Identifiers: ClinVar variation 4761459 (VCV004761459.1).